The following is an entry in ClinVar:

ClinVar aggregate classification (germline): Uncertain significance (1 of 4 stars; one submission).

gnomAD v4.1: 2 of 1,614,164 alleles (0.00012%); highest among the groups gnomAD compares: Non-Finnish European, 0.00017%; no homozygotes.

Submission:

Labcorp Genetics (formerly Invitae), Labcorp
Classification: Uncertain significance. Last evaluated: 2025-03-25. Review status: criteria provided, single submitter. Criteria: Invitae Variant Classification Sherloc (09022015). Collection method: clinical testing. Allele origin: germline.
Comment: This sequence change replaces serine, which is neutral and polar, with glycine, which is neutral and non-polar, at codon 888 of the ERBIN protein (p.Ser888Gly). This variant is not present in population databases (gnomAD no frequency). This variant has not been reported in the literature in individuals affected with ERBIN-related conditions. An algorithm developed to predict the effect of missense changes on protein structure and function outputs the following: PolyPhen-2: "Benign". The glycine amino acid residue is found in multiple mammalian species, which suggests that this missense change does not adversely affect protein function. In summary, the available evidence is currently insufficient to determine the role of this variant in disease. Therefore, it has been classified as a Variant of Uncertain Significance.

NM_001253697.2(ERBIN):c.2662A>G (p.Ser888Gly)

Gene: ERBIN (erbb2 interacting protein; plus strand). Cytogenetic location: 5q12.3.
Variant type: single nucleotide variant.
Coding change: c.2662A>G on transcript NM_001253697.2 (MANE Select); coding-DNA position 2662, A replaced by G.
Protein change: p.Ser888Gly; replaces serine 888 with glycine.
Molecular consequence: missense variant.
Genome position (GRCh38, 1-based): chr5:66,053,980, A>G. VCF-style: chr5-66053980-A-G. GRCh37 (hg19) VCF-style: chr5-65349808-A-G.
Other names: c.2662A>G, p.Ser888Gly (NM_001006600.3, NM_001253698.2, NM_001253699.2 and 1 more transcripts); c.2650A>G, p.Ser884Gly (NM_001253701.2); short protein forms S888G, S884G.
Identifiers: ClinVar variation 3678536 (VCV003678536.2).